The following is an entry in ClinVar:

ClinVar aggregate classification (germline): Pathogenic (1 of 4 stars; one submission).

Conditions:
Autosomal recessive spinocerebellar ataxia 10. Identifiers: Orphanet 284289, MedGen C3150998, MONDO:0013392, OMIM 613728.

Submission:

Myriad Genetics, Inc.
Classification: Pathogenic for Autosomal recessive spinocerebellar ataxia 10. Last evaluated: 2024-04-19. Review status: criteria provided, single submitter. Criteria: Myriad Autosomal Dominant, Autosomal Recessive and X-Linked Classification Criteria (2023). Collection method: clinical testing. Allele origin: unknown.
Comment: NM_018075.3(ANO10):c.931C>T(Q311*) is expected to be pathogenic in the context of spinocerebellar ataxia, ANO10-related. This variant is predicted to lead to an abnormal or absent protein product due to the creation of a premature termination codon in ANO10, a gene where loss-of-function variants are known to be pathogenic. Please note: this variant was assessed in the context of healthy population screening.

NM_018075.5(ANO10):c.931C>T (p.Gln311Ter)

Gene: ANO10 (anoctamin 10; minus strand). Cytogenetic location: 3p22.1.
Variant type: single nucleotide variant.
Coding change: c.931C>T on transcript NM_018075.5 (MANE Select); coding-DNA position 931, C replaced by T.
Protein change: p.Gln311Ter; replaces glutamine 311 with a stop codon.
Molecular consequence: nonsense. On other transcripts: intron variant (1).
Genome position (GRCh38, 1-based): chr3:43,576,923, G>A on the plus strand (C>T on the coding strand, the complement: ANO10 is on the minus strand). VCF-style: chr3-43576923-G-A. GRCh37 (hg19) VCF-style: chr3-43618415-G-A.
Other names: c.931C>T, p.Gln311Ter (NM_001204831.3, NM_001346463.2, NM_001346464.2 and 3 more transcripts); c.733C>T, p.Gln245Ter (NM_001204832.3, NM_001346466.2, NM_001346469.2); c.598C>T, p.Gln200Ter (NM_001204833.3); c.593-2059C>T (NM_001204834.3); short protein forms Q200*, Q245*, Q311*.
Identifiers: ClinVar variation 5012926 (VCV005012926.1).